The following is an entry in ClinVar:

ClinVar aggregate classification (germline): Uncertain significance (1 of 4 stars; one submission).

Submission:

Labcorp Genetics (formerly Invitae), Labcorp
Classification: Uncertain significance. Last evaluated: 2022-11-05. Review status: criteria provided, single submitter. Criteria: Invitae Variant Classification Sherloc (09022015). Collection method: clinical testing. Allele origin: germline.
Comment: This variant is not present in population databases (gnomAD no frequency). This sequence change replaces cysteine, which is neutral and slightly polar, with tyrosine, which is neutral and polar, at codon 16 of the FBLN5 protein (p.Cys16Tyr). This variant has not been reported in the literature in individuals affected with FBLN5-related conditions. In summary, the available evidence is currently insufficient to determine the role of this variant in disease. Therefore, it has been classified as a Variant of Uncertain Significance. Algorithms developed to predict the effect of missense changes on protein structure and function (SIFT, PolyPhen-2, Align-GVGD) all suggest that this variant is likely to be tolerated.

NM_006329.4(FBLN5):c.47G>A (p.Cys16Tyr)

Gene: FBLN5 (fibulin 5; minus strand). Cytogenetic location: 14q32.12.
Variant type: single nucleotide variant.
Coding change: c.47G>A on transcript NM_006329.4 (MANE Select); coding-DNA position 47, G replaced by A.
Protein change: p.Cys16Tyr; replaces cysteine 16 with tyrosine.
Molecular consequence: missense variant. On other transcripts: 5 prime UTR variant (2).
Genome position (GRCh38, 1-based): chr14:91,942,932, C>T on the plus strand (G>A on the coding strand, the complement: FBLN5 is on the minus strand). VCF-style: chr14-91942932-C-T. GRCh37 (hg19) VCF-style: chr14-92409276-C-T.
Other names: c.47G>A, p.Cys16Tyr (NM_001384158.1, NM_001384160.1); c.98G>A, p.Cys33Tyr (NM_001384159.1); c.-223G>A (NM_001384161.1, NM_001384162.1); short protein forms C16Y, C33Y.
Identifiers: ClinVar variation 2797147 (VCV002797147.3), dbSNP rs1026941629, ClinGen allele CA390641462.